The following is an entry in ClinVar:

NM_012470.4(TNPO3):c.-22TACCGCCAC[1]

Genes: TNPO3 (transportin 3; minus strand), LOC129999289 (ATAC-STARR-seq lymphoblastoid active region 26616; plus strand). Cytogenetic location: 7q32.1.
Variant type: Microsatellite.
Coding change: c.-22TACCGCCAC[1] on transcript NM_012470.4 (MANE Select); one copy of the 9-base unit TACCGCCAC starting at c.-22; the reference has two copies in a row; one copy, 9 bases deleted.
Molecular consequence: 5 prime UTR variant. On other transcripts: non-coding transcript variant (18).
Genome position (GRCh38, 1-based): chr7:129,054,775-129,054,783, GTGGCGGTA deleted on the plus strand (TACCGCCAC on the coding strand, the reverse complement: TNPO3 is on the minus strand); deleting any 9 consecutive bases within chr7:129,054,775-129,054,793 gives the same sequence; the position shown is the placement nearest the transcript's 3' end. VCF-style (leftmost placement, unchanged base first): chr7-129054774-GGTGGCGGTA-G. GRCh37 (hg19) VCF-style: chr7-128694828-GGTGGCGGTA-G.
Other names: c.-22TACCGCCAC[1] (NM_001191028.3, NM_001382216.1, NM_001382217.1 and 6 more transcripts).
Identifiers: ClinVar variation 2633203 (VCV002633203.1), dbSNP rs763332143, ClinGen allele CA2695199637.

ClinVar aggregate classification (germline): Uncertain significance (1 of 4 stars; one submission).

Conditions:
TNPO3-related disorder. Also called: TNPO3-related condition.

Submission:

PreventionGenetics, part of Exact Sciences
Classification: Uncertain significance for TNPO3-related condition. Last evaluated: 2023-05-25. Review status: criteria provided, single submitter. Criteria: ACMG Guidelines, 2015. Collection method: clinical testing. Allele origin: germline.
Comment: The TNPO3 c.-13_-5del9 variant is located in the 5' untranslated region. To our knowledge, this variant has not been reported in the literature or in a large population database, indicating this variant is rare. At this time, the clinical significance of this variant is uncertain due to the absence of conclusive functional and genetic evidence.